The following is an entry in ClinVar:

ClinVar aggregate classification (germline): Conflicting classifications of pathogenicity. Review status: criteria provided, conflicting classifications (1 of 4 stars). 2 submissions from 2 submitters: Likely pathogenic (1); Uncertain significance (1). Last evaluated 2024-05-18.

Conditions:
Niemann-Pick disease, type C2 (NPC2). Identifiers: Orphanet 646, MedGen C1843366, MONDO:0011873, OMIM 607625.

gnomAD v4.1: 1 of 1,614,046 alleles (0.000062%); highest among the groups gnomAD compares: South Asian, 0.0011%; no homozygotes.

Submissions (2):

Labcorp Genetics (formerly Invitae), Labcorp
Classification: Uncertain significance for Niemann-Pick disease, type C2. Last evaluated: 2024-05-18. Review status: criteria provided, single submitter. Criteria: Invitae Variant Classification Sherloc (09022015). Collection method: clinical testing. Allele origin: germline.
Comment: This sequence change replaces proline, which is neutral and non-polar, with threonine, which is neutral and polar, at codon 120 of the NPC2 protein (p.Pro120Thr). This variant is not present in population databases (gnomAD no frequency). This variant has not been reported in the literature in individuals affected with NPC2-related conditions. ClinVar contains an entry for this variant (Variation ID: 2585512). An algorithm developed to predict the effect of missense changes on protein structure and function (PolyPhen-2) suggests that this variant is likely to be disruptive. This variant disrupts the p.Pro120 amino acid residue in NPC2. Other variant(s) that disrupt this residue have been determined to be pathogenic (PMID: 16126423, 17470133, 23791309). This suggests that this residue is clinically significant, and that variants that disrupt this residue are likely to be disease-causing. In summary, the available evidence is currently insufficient to determine the role of this variant in disease. Therefore, it has been classified as a Variant of Uncertain Significance.

Neuberg Centre For Genomic Medicine, NCGM
Classification: Likely pathogenic for Niemann-Pick disease, type C2. Review status: criteria provided, single submitter. Criteria: ACMG Guidelines, 2015. Collection method: clinical testing. Allele origin: germline. Inheritance: Autosomal recessive inheritance. Affected: yes.
Comment: The missense variant c.358C>A (p.Pro120Thr) in NPC2 gene has been reported in homozygous state in individuals affected with Niemann-Pick disease type C (Parihar J. et al., 2021). This variant is novel (not in any individuals) in gnomAD Exomes and 1000 Genomes. The amino acid Proline at position 120 is changed to a Threonine changing protein sequence and it might alter its composition and physico-chemical properties. The variant is predicted to be damaging by both SIFT and PolyPhen2. The residue is conserved across species. For these reasons, this variant has been classified as Likely Pathogenic.

Literature cited by the submitters: PubMed 16126423 (cited by Labcorp Genetics (formerly Invitae), Labcorp); PubMed 17470133 (cited by Labcorp Genetics (formerly Invitae), Labcorp); PubMed 23791309 (cited by Labcorp Genetics (formerly Invitae), Labcorp).

NM_006432.5(NPC2):c.358C>A (p.Pro120Thr)

Gene: NPC2 (NPC intracellular cholesterol transporter 2; minus strand). Cytogenetic location: 14q24.3.
Variant type: single nucleotide variant.
Coding change: c.358C>A on transcript NM_006432.5 (MANE Select); coding-DNA position 358, C replaced by A.
Protein change: p.Pro120Thr; replaces proline 120 with threonine.
Molecular consequence: missense variant.
Genome position (GRCh38, 1-based): chr14:74,484,420, G>T on the plus strand (C>A on the coding strand, the complement: NPC2 is on the minus strand). VCF-style: chr14-74484420-G-T. GRCh37 (hg19) VCF-style: chr14-74951123-G-T.
Other names: c.358C>A, p.Pro120Thr (NM_001363688.1, NM_001375440.1); short protein forms P120T.
Identifiers: ClinVar variation 2585512 (VCV002585512.3), dbSNP rs104894458, ClinGen allele CA390532242.